The following is an entry in ClinVar:

ClinVar aggregate classification (germline): Pathogenic. Review status: criteria provided, multiple submitters, no conflicts (2 of 4 stars). 2 submissions from 2 submitters: Pathogenic (2). Last evaluated 2023-06-08.

Conditions:
Hereditary diffuse gastric adenocarcinoma (HDGC). Also called: DIFFUSE GASTRIC AND LOBULAR BREAST CANCER SYNDROME. Identifiers: Orphanet 26106, MedGen C1708349, MONDO:0007648, OMIM 137215.

Submissions (2):

Myriad Genetics, Inc.
Classification: Pathogenic for Hereditary diffuse gastric adenocarcinoma. Last evaluated: 2023-06-08. Review status: criteria provided, single submitter. Criteria: Myriad Autosomal Dominant, Autosomal Recessive and X-Linked Classification Criteria (2023). Collection method: clinical testing. Allele origin: unknown.
Comment: This variant is considered pathogenic. This variant creates a termination codon and is predicted to result in premature protein truncation.

Labcorp Genetics (formerly Invitae), Labcorp
Classification: Pathogenic for Hereditary diffuse gastric adenocarcinoma. Last evaluated: 2023-02-03. Review status: criteria provided, single submitter. Criteria: Invitae Variant Classification Sherloc (09022015). Collection method: clinical testing. Allele origin: germline.
Comment: This sequence change creates a premature translational stop signal (p.Tyr101*) in the CDH1 gene. It is expected to result in an absent or disrupted protein product. Loss-of-function variants in CDH1 are known to be pathogenic (PMID: 15235021, 20373070). This variant is not present in population databases (gnomAD no frequency). This variant has not been reported in the literature in individuals affected with CDH1-related conditions. For these reasons, this variant has been classified as Pathogenic.

Literature cited by the submitters: PubMed 15235021 (cited by Labcorp Genetics (formerly Invitae), Labcorp); PubMed 20373070 (cited by Labcorp Genetics (formerly Invitae), Labcorp).

NM_004360.5(CDH1):c.303C>G (p.Tyr101Ter)

Gene: CDH1 (cadherin 1; plus strand). Cytogenetic location: 16q22.1.
Variant type: single nucleotide variant.
Coding change: c.303C>G on transcript NM_004360.5 (MANE Select); coding-DNA position 303, C replaced by G.
Protein change: p.Tyr101Ter; replaces tyrosine 101 with a stop codon.
Molecular consequence: nonsense. On other transcripts: 5 prime UTR variant (2).
Genome position (GRCh38, 1-based): chr16:68,801,809, C>G. VCF-style: chr16-68801809-C-G. GRCh37 (hg19) VCF-style: chr16-68835712-C-G.
Other names: c.303C>G, p.Tyr101Ter (NM_001317184.2); c.-1313C>G (NM_001317185.2); c.-1517C>G (NM_001317186.2); short protein forms Y101*.
Identifiers: ClinVar variation 2033886 (VCV002033886.6), dbSNP rs150789339, ClinGen allele CA396457346.